The following is an entry in ClinVar:

ClinVar aggregate classification (germline): Uncertain significance (1 of 4 stars; one submission).

Conditions:
Arrhythmogenic right ventricular dysplasia 13. Also called: ARRHYTHMOGENIC RIGHT VENTRICULAR CARDIOMYOPATHY 13; Arrhythmogenic right ventricular dysplasia, familial, 13. Identifiers: MedGen C3810138, MONDO:0000908, OMIM 615616.

Submission:

Labcorp Genetics (formerly Invitae), Labcorp
Classification: Uncertain significance for Arrhythmogenic right ventricular dysplasia 13. Last evaluated: 2024-07-22. Review status: criteria provided, single submitter. Criteria: Invitae Variant Classification Sherloc (09022015). Collection method: clinical testing. Allele origin: germline.
Comment: This sequence change creates a premature translational stop signal (p.Leu161Glnfs*8) in the CTNNA3 gene. It is expected to result in an absent or disrupted protein product. However, the current clinical and genetic evidence is not sufficient to establish whether loss-of-function variants in CTNNA3 cause disease. This variant is not present in population databases (gnomAD no frequency). This variant has not been reported in the literature in individuals affected with CTNNA3-related conditions. In summary, the available evidence is currently insufficient to determine the role of this variant in disease. Therefore, it has been classified as a Variant of Uncertain Significance.

NM_013266.4(CTNNA3):c.482_483del (p.Leu161fs)

Gene: CTNNA3 (catenin alpha 3; minus strand). Cytogenetic location: 10q21.3.
Variant type: Microsatellite.
Coding change: c.482_483del on transcript NM_013266.4 (MANE Select); coding-DNA positions 482 to 483, 2 bases deleted (TC; older notation c.482_483delTC).
Protein change: p.Leu161fs; shifts the reading frame from leucine 161.
Molecular consequence: frameshift variant.
Genome position (GRCh38, 1-based): chr10:67,521,938-67,521,939, GA deleted on the plus strand (TC on the coding strand, the reverse complement: CTNNA3 is on the minus strand); deleting any 2 consecutive bases within chr10:67,521,938-67,521,943 gives the same sequence; the c. name uses the placement nearest the transcript's 3' end. VCF-style (leftmost placement, unchanged base first): chr10-67521937-TGA-T. GRCh37 (hg19) VCF-style: chr10-69281695-TGA-T.
Other names: c.482_483del, p.Leu161fs (NM_001127384.3); c.518_519del, p.Leu173fs (NM_001291133.2); short protein forms L173fs, L161fs.
Identifiers: ClinVar variation 2027895 (VCV002027895.4), dbSNP rs2492398767, ClinGen allele CA2580615487.